The following is an entry in ClinVar:

NM_022369.4(STRA6):c.113+3_113+4del

Gene: STRA6 (signaling receptor and transporter of retinol STRA6; minus strand). Cytogenetic location: 15q24.1.
Variant type: Deletion.
Coding change: c.113+3_113+4del on transcript NM_022369.4 (MANE Select); bases 3 to 4 of the intron after coding-DNA position 113, 2 bases deleted (AA; older notation c.113+3_113+4delAA).
Molecular consequence: intron variant.
Genome position (GRCh38, 1-based): chr15:74,202,151-74,202,152, TT deleted on the plus strand (AA on the coding strand, the reverse complement: STRA6 is on the minus strand). VCF-style (leftmost placement, unchanged base first): chr15-74202150-CTT-C. GRCh37 (hg19) VCF-style: chr15-74494491-CTT-C.
Other names: c.224+3_224+4del (NM_001199040.2); c.113+3_113+4del (NM_001142619.2, NM_001142617.2, NM_001142618.2 and 1 more transcripts); c.158+3_158+4del (NM_001199041.2); c.230+3_230+4del (NM_001199042.2).
Identifiers: ClinVar variation 446174 (VCV000446174.3), dbSNP rs1555457882, ClinGen allele CA658683902.

ClinVar aggregate classification (germline): Likely pathogenic. Review status: criteria provided, single submitter (1 of 4 stars). 2 submissions from 2 submitters: Likely pathogenic (1). 1 of the submissions does not count toward it. Last evaluated 2024-10-11.

Conditions:
Microphthalmia, syndromic 9. Also called: SPEAR SYNDROME; Matthew-Wood syndrome; ANOPHTHALMIA, CLINICAL, WITH MILD FACIAL DYSMORPHISM AND VARIABLE MALFORMATIONS OF THE LUNG, HEART, AND DIAPHRAGM; ANOPHTHALMIA/MICROPHTHALMIA AND PULMONARY HYPOPLASIA; PULMONARY AGENESIS, MICROPHTHALMIA, AND DIAPHRAGMATIC DEFECT. Identifiers: Orphanet 2470, MedGen C1832661, MONDO:0011010, OMIM 601186.

Allele frequency attached by ClinVar (database versions not stated): gnomAD exomes below 0.00001.

Submissions (2):

GeneDx
Classification: Likely pathogenic. Last evaluated: 2024-10-11. Review status: criteria provided, single submitter. Criteria: GeneDx Variant Classification Process June 2021. Collection method: clinical testing. Allele origin: germline. Affected: yes.
Comment: Not observed at significant frequency in large population cohorts (gnomAD); In silico analysis supports a deleterious effect on splicing; This variant is associated with the following publications: (PMID: 26373900, 32597569)

OMIM
Classification: Pathogenic for MICROPHTHALMIA, SYNDROMIC 9. Last evaluated: 2017-11-20. Review status: no assertion criteria provided. Collection method: literature only. Allele origin: germline. Not counted in ClinVar's aggregate classification.

Literature cited by the submitters: PubMed 26373900 (cited by OMIM); Curry, C. J. Personal Communication. 2017. Fresno, Calif. (cited by OMIM).